The following is an entry in ClinVar:

ClinVar aggregate classification (germline): Uncertain significance (1 of 4 stars; one submission).

Submission:

GeneDx
Classification: Uncertain significance. Last evaluated: 2025-01-06. Review status: criteria provided, single submitter. Criteria: GeneDx Variant Classification Process June 2021. Collection method: clinical testing. Allele origin: germline. Affected: yes.
Comment: Frameshift variant predicted to result in protein truncation or nonsense mediated decay in a gene for which loss of function is a known mechanism of disease; Identified in a patient with pulmonary fibrosis; additional clinical features, if any, were not described (PMID: 17392301); This variant is associated with the following publications: (PMID: 17392301)

NM_198253.3(TERT):c.336del (p.Glu113fs)

Gene: TERT (telomerase reverse transcriptase; minus strand). Cytogenetic location: 5p15.33.
Variant type: Deletion.
Coding change: c.336del on transcript NM_198253.3 (MANE Select); coding-DNA position 336, one base deleted (C; older notation c.336delC).
Protein change: p.Glu113fs; shifts the reading frame from glutamic acid 113.
Molecular consequence: frameshift variant. On other transcripts: non-coding transcript variant (2).
Genome position (GRCh38, 1-based): chr5:1,294,550, G deleted on the plus strand (C on the coding strand, the reverse complement: TERT is on the minus strand); the first of 7 consecutive G bases (chr5:1,294,550-1,294,556); deleting any one gives the same sequence. VCF-style (leftmost placement, unchanged base first): chr5-1294549-CG-C. GRCh37 (hg19) VCF-style: chr5-1294664-CG-C.
Other names: c.336del, p.Glu113fs (NM_001193376.3); c.330delC, p.Glu113Argfs (NM_198253.2); short protein forms E113fs.
Identifiers: ClinVar variation 4056823 (VCV004056823.1).